The following is an entry in ClinVar:

ClinVar aggregate classification (germline): Uncertain significance (1 of 4 stars; one submission).

Submission:

Ambry Genetics
Classification: Uncertain significance. Last evaluated: 2024-12-25. Review status: criteria provided, single submitter. Criteria: Ambry Variant Classification Scheme 2023. Collection method: clinical testing. Allele origin: germline.
Comment: The p.G5E variant (also known as c.14G>A), located in coding exon 1 of the MC1R gene, results from a G to A substitution at nucleotide position 14. The glycine at codon 5 is replaced by glutamic acid, an amino acid with similar properties. This amino acid position is conserved. In addition, this alteration is predicted to be tolerated by in silico analysis. Based on the available evidence, the clinical significance of this variant remains unclear.

NM_002386.4(MC1R):c.14G>A (p.Gly5Glu)

Gene: MC1R (melanocortin 1 receptor; plus strand). Cytogenetic location: 16q24.3.
Variant type: single nucleotide variant.
Coding change: c.14G>A on transcript NM_002386.4 (MANE Select); coding-DNA position 14, G replaced by A.
Protein change: p.Gly5Glu; replaces glycine 5 with glutamic acid.
Molecular consequence: missense variant.
Genome position (GRCh38, 1-based): chr16:89,919,272, G>A. VCF-style: chr16-89919272-G-A. GRCh37 (hg19) VCF-style: chr16-89985680-G-A.
Other names: short protein forms G5E.
Identifiers: ClinVar variation 3871070 (VCV003871070.1).